The following is an entry in ClinVar:

ClinVar aggregate classification (germline): Uncertain significance (1 of 4 stars; one submission).

gnomAD v4.1: 1 of 1,608,826 alleles (0.000062%); highest among the groups gnomAD compares: South Asian, 0.0011%; no homozygotes.

Submission:

Labcorp Genetics (formerly Invitae), Labcorp
Classification: Uncertain significance. Last evaluated: 2024-08-15. Review status: criteria provided, single submitter. Criteria: Invitae Variant Classification Sherloc (09022015). Collection method: clinical testing. Allele origin: germline.
Comment: This sequence change replaces glutamic acid, which is acidic and polar, with lysine, which is basic and polar, at codon 389 of the GATA5 protein (p.Glu389Lys). This variant is not present in population databases (gnomAD no frequency). This variant has not been reported in the literature in individuals affected with GATA5-related conditions. An algorithm developed to predict the effect of missense changes on protein structure and function (PolyPhen-2) suggests that this variant is likely to be disruptive. In summary, the available evidence is currently insufficient to determine the role of this variant in disease. Therefore, it has been classified as a Variant of Uncertain Significance.

NM_080473.5(GATA5):c.1165G>A (p.Glu389Lys)

Gene: GATA5 (GATA binding protein 5; minus strand). Cytogenetic location: 20q13.33.
Variant type: single nucleotide variant.
Coding change: c.1165G>A on transcript NM_080473.5 (MANE Select); coding-DNA position 1165, G replaced by A.
Protein change: p.Glu389Lys; replaces glutamic acid 389 with lysine.
Molecular consequence: missense variant.
Genome position (GRCh38, 1-based): chr20:62,464,865, C>T on the plus strand (G>A on the coding strand, the complement: GATA5 is on the minus strand). VCF-style: chr20-62464865-C-T. GRCh37 (hg19) VCF-style: chr20-61039921-C-T.
Other names: short protein forms E389K.
Identifiers: ClinVar variation 3687010 (VCV003687010.2).
Genomic context (GRCh38, chr20:62,464,865, plus strand): 5'-CTGTTCCCCTGACATGGGCTGGCCTGGGGACCTAGGCCAAGGCCAGCGCACACCAGGCCT[C>T]TTGGCGCAGAGCCCCCCTGAGGCCAGCCTGGGGGCTTGGGGCCGTGGAGGGGAAGGCAAA-3'
Protein context (NP_536721.1, residues 379-397): QAGLRGALRQ[Glu389Lys]AWCALALA